The following is an entry in ClinVar:

NM_004380.3(CREBBP):c.234C>A (p.Ser78Arg)

Gene: CREBBP (CREB binding protein; minus strand). Cytogenetic location: 16p13.3.
Variant type: single nucleotide variant.
Coding change: c.234C>A on transcript NM_004380.3 (MANE Select); coding-DNA position 234, C replaced by A.
Protein change: p.Ser78Arg; replaces serine 78 with arginine.
Molecular consequence: missense variant.
Genome position (GRCh38, 1-based): chr16:3,850,861, G>T on the plus strand (C>A on the coding strand, the complement: CREBBP is on the minus strand). VCF-style: chr16-3850861-G-T. GRCh37 (hg19) VCF-style: chr16-3900862-G-T.
Other names: c.234C>A, p.Ser78Arg (NM_001079846.1); short protein forms S78R.
Identifiers: ClinVar variation 1326380 (VCV001326380.3), dbSNP rs145925174, ClinGen allele CA394561986.

ClinVar aggregate classification (germline): Uncertain significance (1 of 4 stars; one submission).

Submission:

GeneDx
Classification: Uncertain significance. Last evaluated: 2023-07-13. Review status: criteria provided, single submitter. Criteria: GeneDx Variant Classification Process June 2021. Collection method: clinical testing. Allele origin: germline. Affected: yes.
Comment: Has not been previously published as pathogenic or benign to our knowledge; Not observed at significant frequency in large population cohorts (gnomAD); In silico analysis supports that this missense variant has a deleterious effect on protein structure/function